The following is an entry in ClinVar:

ClinVar aggregate classification (germline): Uncertain significance (1 of 4 stars; one submission).

Conditions:
Lipoic acid synthetase deficiency. Also called: HYPERGLYCINEMIA, LACTIC ACIDOSIS, AND SEIZURES. Identifiers: Orphanet 401859, MedGen C3280887, MONDO:0013762, OMIM 614462.

Submission:

Labcorp Genetics (formerly Invitae), Labcorp
Classification: Uncertain significance for Lipoic acid synthetase deficiency. Last evaluated: 2022-02-10. Review status: criteria provided, single submitter. Criteria: Invitae Variant Classification Sherloc (09022015). Collection method: clinical testing. Allele origin: germline.
Comment: In summary, the available evidence is currently insufficient to determine the role of this variant in disease. Therefore, it has been classified as a Variant of Uncertain Significance. Algorithms developed to predict the effect of missense changes on protein structure and function are either unavailable or do not agree on the potential impact of this missense change (SIFT: "Deleterious"; PolyPhen-2: "Benign"; Align-GVGD: "Class C65"). This variant has not been reported in the literature in individuals affected with LIAS-related conditions. This variant is not present in population databases (gnomAD no frequency). This sequence change replaces glycine, which is neutral and non-polar, with aspartic acid, which is acidic and polar, at codon 171 of the LIAS protein (p.Gly171Asp).

NM_006859.4(LIAS):c.512G>A (p.Gly171Asp)

Gene: LIAS (lipoic acid synthetase; plus strand). Cytogenetic location: 4p14.
Variant type: single nucleotide variant.
Coding change: c.512G>A on transcript NM_006859.4 (MANE Select); coding-DNA position 512, G replaced by A.
Protein change: p.Gly171Asp; replaces glycine 171 with aspartic acid.
Molecular consequence: missense variant. On other transcripts: intron variant (1).
Genome position (GRCh38, 1-based): chr4:39,465,164, G>A. VCF-style: chr4-39465164-G-A. GRCh37 (hg19) VCF-style: chr4-39466784-G-A.
Other names: c.512G>A, p.Gly171Asp (NM_001278590.2, NM_194451.3); c.299+1559G>A (NM_001363700.2); short protein forms G171D.
Identifiers: ClinVar variation 1514849 (VCV001514849.8), dbSNP rs2109875475, ClinGen allele CA356664596.
Genomic context (GRCh38, chr4:39,465,164, plus strand): 5'-ATCCTCCTCCACTGGATGCCAGTGAGCCCTACAATACTGCAAAGGCAATTGCAGAATGGG[G>A]TCTGGATTATGTTGTCCTGACATCTGTGGATCGAGATGGTTAGTGTGTCATCATGGCCTC-3'
Protein context (NP_006850.2, residues 161-181): YNTAKAIAEW[Gly171Asp]LDYVVLTSVD